The following is an entry in ClinVar:

NM_007192.4(SUPT16H):c.1660A>G (p.Ile554Val)

Gene: SUPT16H (SPT16 homolog, facilitates chromatin remodeling subunit; minus strand). Cytogenetic location: 14q11.2.
Variant type: single nucleotide variant.
Coding change: c.1660A>G on transcript NM_007192.4 (MANE Select); coding-DNA position 1660, A replaced by G.
Protein change: p.Ile554Val; replaces isoleucine 554 with valine.
Molecular consequence: missense variant.
Genome position (GRCh38, 1-based): chr14:21,362,799, T>C on the plus strand (A>G on the coding strand, the complement: SUPT16H is on the minus strand). VCF-style: chr14-21362799-T-C. GRCh37 (hg19) VCF-style: chr14-21830958-T-C.
Other names: short protein forms I554V.
Identifiers: ClinVar variation 5020623 (VCV005020623.1).

ClinVar aggregate classification (germline): Uncertain significance (1 of 4 stars; one submission).

gnomAD v4.1: 7 of 1,603,144 alleles (0.00044%); highest among the groups gnomAD compares: East Asian, 0.0045%; no homozygotes.

Submission:

Dasa
Classification: Uncertain significance. Last evaluated: 2026-05-04. Review status: criteria provided, single submitter. Criteria: DASA Assertion Criteria. Collection method: clinical testing. Allele origin: germline.
Comment: NM_007192.4(SUPT16H):c.1660A>G (p.Ile554Val) is a missense variant that results in the substitution of isoleucine with valine. This variant is rare in population databases. Computational prediction algorithms are consistent with a benign effect. The currently available literature and clinical evidence are not sufficient to establish a definitive association between this variant and the reported condition. Therefore, this variant is classified as a variant of uncertain significance.